The following is an entry in ClinVar:

ClinVar aggregate classification (germline): Pathogenic/Likely pathogenic. Review status: criteria provided, multiple submitters, no conflicts (2 of 4 stars). 2 submissions from 2 submitters: Pathogenic (1); Likely pathogenic (1). Last evaluated 2025-07-28.

Conditions:
Rafiq syndrome (RAFQS). Identifiers: Orphanet 88616, MedGen C3280127, MONDO:0013624, OMIM 614202.

Submissions (2):

Labcorp Genetics (formerly Invitae), Labcorp
Classification: Pathogenic for Rafiq syndrome. Last evaluated: 2025-07-28. Review status: criteria provided, single submitter. Criteria: Invitae Variant Classification Sherloc (09022015). Collection method: clinical testing. Allele origin: germline.
Comment: This sequence change creates a premature translational stop signal (p.Gln579Profs*75) in the MAN1B1 gene. While this is not anticipated to result in nonsense mediated decay, it is expected to disrupt the last 121 amino acid(s) of the MAN1B1 protein. This variant is present in population databases (rs780414810, gnomAD 0.03%). This variant has not been reported in the literature in individuals affected with MAN1B1-related conditions. ClinVar contains an entry for this variant (Variation ID: 1207945). This variant disrupts a region of the MAN1B1 protein in which other variant(s) (p.Arg597Trp) have been determined to be pathogenic (PMID: 24566669, 37010288, 38037438). This suggests that this is a clinically significant region of the protein, and that variants that disrupt it are likely to be disease-causing. For these reasons, this variant has been classified as Pathogenic.

GeneDx
Classification: Likely pathogenic. Last evaluated: 2019-11-25. Review status: criteria provided, single submitter. Criteria: GeneDx Variant Classification Process June 2021. Collection method: clinical testing. Allele origin: germline. Affected: yes.
Comment: Frameshift variant in the C-terminus predicted to result in protein truncation, as the last 121 amino acids are lost and replaced with 74 incorrect amino acids; Not observed in large population cohorts (Lek et al., 2016); Has not been previously published as pathogenic or benign to our knowledge

Literature cited by the submitters: PubMed 24566669 (cited by Labcorp Genetics (formerly Invitae), Labcorp); PubMed 37010288 (cited by Labcorp Genetics (formerly Invitae), Labcorp); PubMed 38037438 (cited by Labcorp Genetics (formerly Invitae), Labcorp).

NM_016219.5(MAN1B1):c.1735dup (p.Gln579fs)

Gene: MAN1B1 (mannosidase alpha class 1B member 1; plus strand). Cytogenetic location: 9q34.3.
Variant type: Duplication.
Coding change: c.1735dup on transcript NM_016219.5 (MANE Select); coding-DNA position 1735, one base duplicated (C; older notation c.1735dupC).
Protein change: p.Gln579fs; shifts the reading frame from glutamine 579.
Molecular consequence: frameshift variant. On other transcripts: non-coding transcript variant (2).
Genome position (GRCh38, 1-based): chr9:137,107,418, C duplicated; the last of 5 consecutive C bases (chr9:137,107,414-137,107,418); duplicating any one gives the same sequence. VCF-style (leftmost placement, unchanged base first): chr9-137107413-A-AC. GRCh37 (hg19) VCF-style: chr9-140001865-A-AC.
Other names: short protein forms Q579fs.
Identifiers: ClinVar variation 1207945 (VCV001207945.4), dbSNP rs780414810, ClinGen allele CA5359345.